The following is an entry in ClinVar:

ClinVar aggregate classification (germline): Likely benign. Review status: criteria provided, single submitter (1 of 4 stars). 2 submissions from 2 submitters: Likely benign (1). 1 of the submissions does not count toward it. Last evaluated 2024-06-13.

Conditions:
COQ8B-related disorder. Also called: COQ8B-related condition.

Allele frequency attached by ClinVar (database versions not stated): gnomAD exomes below 0.00001; TOPMed below 0.00001; ExAC 0.00001; gnomAD 0.00001; 1000 Genomes Project 0.00020; 1000 Genomes Project 30x 0.00031.
gnomAD v4.1: 5 of 1,613,908 alleles (0.00031%); highest among the groups gnomAD compares: East Asian, 0.0067%; no homozygotes.

Submissions (2):

Labcorp Genetics (formerly Invitae), Labcorp
Classification: Likely benign. Last evaluated: 2024-06-13. Review status: criteria provided, single submitter. Criteria: Invitae Variant Classification Sherloc (09022015). Collection method: clinical testing. Allele origin: germline.

PreventionGenetics, part of Exact Sciences
Classification: Likely benign for COQ8B-related condition. Last evaluated: 2022-12-19. Review status: no assertion criteria provided. Collection method: clinical testing. Allele origin: germline. Not counted in ClinVar's aggregate classification.
Comment: This variant is classified as likely benign based on ACMG/AMP sequence variant interpretation guidelines (Richards et al. 2015 PMID: 25741868, with internal and published modifications).

NM_024876.4(COQ8B):c.285T>C (p.Phe95=)

Gene: COQ8B (coenzyme Q8B; minus strand). Cytogenetic location: 19q13.2.
Variant type: single nucleotide variant.
Coding change: c.285T>C on transcript NM_024876.4 (MANE Select); coding-DNA position 285, T replaced by C.
Protein change: p.Phe95=; no amino-acid change (phenylalanine 95 retained).
Molecular consequence: synonymous variant.
Genome position (GRCh38, 1-based): chr19:40,714,071, A>G on the plus strand (T>C on the coding strand, the complement: COQ8B is on the minus strand). VCF-style: chr19-40714071-A-G. GRCh37 (hg19) VCF-style: chr19-41219976-A-G.
Other names: c.285T>C (NM_024876.3); c.285T>C, p.Phe95= (NM_001142555.3).
Identifiers: ClinVar variation 2782223 (VCV002782223.4), dbSNP rs192920652, ClinGen allele CA9450484.
Genomic context (GRCh38, chr19:40,714,071, plus strand): 5'-TAAATGTTGCCCTTTCTAATTGAGGTCACACCAAGATCCCCCAAAGTCACACCTACCCCC[A>G]AAGTTGGCCAAGCGGCTGATGCGGGAGGCAGGCACCTTGCGTTCTCGAGAGCGGTCACTC-3'
Protein context (NP_079152.3, residues 85-105): PASRISRLAN[Phe95=]GGLAVGLGLG